The following is an entry in ClinVar:

NM_000632.4(ITGAM):c.630C>A (p.Asn210Lys)

Gene: ITGAM (integrin subunit alpha M; plus strand). Cytogenetic location: 16p11.2.
Variant type: single nucleotide variant.
Coding change: c.630C>A on transcript NM_000632.4 (MANE Select); coding-DNA position 630, C replaced by A.
Protein change: p.Asn210Lys; replaces asparagine 210 with lysine.
Molecular consequence: missense variant.
Genome position (GRCh38, 1-based): chr16:31,271,918, C>A. VCF-style: chr16-31271918-C-A. GRCh37 (hg19) VCF-style: chr16-31283239-C-A.
Other names: c.630C>A, p.Asn210Lys (NM_001145808.2); short protein forms N210K.
Identifiers: ClinVar variation 3111362 (VCV003111362.3), dbSNP rs761171328, ClinGen allele CA280604475.

ClinVar aggregate classification (germline): Uncertain significance. Review status: criteria provided, multiple submitters, no conflicts (2 of 4 stars). 2 submissions from 2 submitters: Uncertain significance (2). Last evaluated 2024-12-25.

Allele frequency attached by ClinVar (database versions not stated): gnomAD exomes 0.00002.
gnomAD v4.1: 39 of 1,613,902 alleles (0.0024%); highest among the groups gnomAD compares: Non-Finnish European, 0.0032%; no homozygotes.

Submissions (2):

Labcorp Genetics (formerly Invitae), Labcorp
Classification: Uncertain significance. Last evaluated: 2024-12-25. Review status: criteria provided, single submitter. Criteria: Invitae Variant Classification Sherloc (09022015). Collection method: clinical testing. Allele origin: germline.
Comment: This sequence change replaces asparagine, which is neutral and polar, with lysine, which is basic and polar, at codon 210 of the ITGAM protein (p.Asn210Lys). This variant is not present in population databases (gnomAD no frequency). This variant has not been reported in the literature in individuals affected with ITGAM-related conditions. ClinVar contains an entry for this variant (Variation ID: 3111362). An algorithm developed to predict the effect of missense changes on protein structure and function outputs the following: PolyPhen-2: "Benign". The lysine amino acid residue is found in multiple mammalian species, which suggests that this missense change does not adversely affect protein function. In summary, the available evidence is currently insufficient to determine the role of this variant in disease. Therefore, it has been classified as a Variant of Uncertain Significance.

Ambry Genetics
Classification: Uncertain significance. Last evaluated: 2021-09-15. Review status: criteria provided, single submitter. Criteria: Ambry Variant Classification Scheme 2023. Collection method: clinical testing. Allele origin: germline.